The following is an entry in ClinVar:

NM_014915.3(ANKRD26):c.3419A>T (p.Gln1140Leu)

Gene: ANKRD26 (ankyrin repeat domain 26; minus strand). Cytogenetic location: 10p12.1.
Variant type: single nucleotide variant.
Coding change: c.3419A>T on transcript NM_014915.3 (MANE Select); coding-DNA position 3419, A replaced by T.
Protein change: p.Gln1140Leu; replaces glutamine 1140 with leucine.
Molecular consequence: missense variant.
Genome position (GRCh38, 1-based): chr10:27,035,031, T>A on the plus strand (A>T on the coding strand, the complement: ANKRD26 is on the minus strand). VCF-style: chr10-27035031-T-A. GRCh37 (hg19) VCF-style: chr10-27323960-T-A.
Other names: c.3416A>T, p.Gln1139Leu (NM_001256053.2); short protein forms Q1139L, Q1140L.
Identifiers: ClinVar variation 3252640 (VCV003252640.2), dbSNP rs2053997369.

ClinVar aggregate classification (germline): Uncertain significance. Review status: criteria provided, multiple submitters, no conflicts (2 of 4 stars). 2 submissions from 2 submitters: Uncertain significance (2). Last evaluated 2026-02-16.

Conditions:
Inborn genetic diseases. Identifiers: MedGen C0950123, MeSH D030342.

gnomAD v4.1: 1 of 1,614,008 alleles (0.000062%); highest among the groups gnomAD compares: Non-Finnish European, 0.000085%; no homozygotes.

Submissions (2):

Ambry Genetics
Classification: Uncertain significance for Inborn genetic diseases. Last evaluated: 2026-02-16. Review status: criteria provided, single submitter. Criteria: Ambry Variant Classification Scheme 2023. Collection method: clinical testing. Allele origin: germline.
Comment: The p.Q1140L variant (also known as c.3419A>T), located in coding exon 24 of the ANKRD26 gene, results from an A to T substitution at nucleotide position 3419. The glutamine at codon 1140 is replaced by leucine, an amino acid with dissimilar properties. This amino acid position is conserved. In addition, this alteration is predicted to be tolerated by in silico analysis. Based on the available evidence, the clinical significance of this variant remains unclear.

GeneDx
Classification: Uncertain significance. Last evaluated: 2023-10-03. Review status: criteria provided, single submitter. Criteria: GeneDx Variant Classification Process June 2021. Collection method: clinical testing. Allele origin: germline. Affected: yes.
Comment: Not observed at significant frequency in large population cohorts (gnomAD); In silico analysis supports that this missense variant has a deleterious effect on protein structure/function; Has not been previously published as pathogenic or benign to our knowledge